The following is an entry in ClinVar:

NM_014225.6(PPP2R1A):c.169+5C>A

Gene: PPP2R1A (protein phosphatase 2 scaffold subunit Aalpha; plus strand). Cytogenetic location: 19q13.41.
Variant type: single nucleotide variant.
Coding change: c.169+5C>A on transcript NM_014225.6 (MANE Select); 5 bases into the intron after coding-DNA position 169, C replaced by A.
Molecular consequence: intron variant.
Genome position (GRCh38, 1-based): chr19:52,202,039, C>A. VCF-style: chr19-52202039-C-A. GRCh37 (hg19) VCF-style: chr19-52705292-C-A.
Other names: c.-369+5C>A (NM_001363656.2).
Identifiers: ClinVar variation 4536846 (VCV004536846.1).

ClinVar aggregate classification (germline): Uncertain significance (1 of 4 stars; one submission).

Submission:

Women's Health and Genetics/Laboratory Corporation of America, LabCorp
Classification: Uncertain significance. Last evaluated: 2025-11-11. Review status: criteria provided, single submitter. Criteria: LabCorp Variant Classification Summary - May 2015. Collection method: clinical testing. Allele origin: germline.
Comment: Variant summary: PPP2R1A c.169+5C>A alters a non-conserved nucleotide located close to a canonical splice site and therefore could affect mRNA splicing, leading to a significantly altered protein sequence. Consensus agreement among computation tools predict no significant impact on normal splicing. However, these predictions have yet to be confirmed by functional studies. The variant was absent in 251144 control chromosomes. The available data on variant occurrences in the general population are insufficient to allow any conclusion about variant significance. To our knowledge, no occurrence of c.169+5C>A in individuals affected with PPP2R1A-related conditions and no experimental evidence demonstrating its impact on protein function have been reported. No submitters have cited clinical-significance assessments for this variant to ClinVar. Based on the evidence outlined above, the variant was classified as uncertain significance.